The following is an entry in ClinVar:

NM_005228.5(EGFR):c.2176G>A (p.Val726Met)

Gene: EGFR (epidermal growth factor receptor; plus strand). Cytogenetic location: 7p11.2.
Variant type: single nucleotide variant.
Coding change: c.2176G>A on transcript NM_005228.5 (MANE Select); coding-DNA position 2176, G replaced by A.
Protein change: p.Val726Met; replaces valine 726 with methionine.
Molecular consequence: missense variant.
Genome position (GRCh38, 1-based): chr7:55,174,035, G>A. VCF-style: chr7-55174035-G-A. GRCh37 (hg19) VCF-style: chr7-55241728-G-A.
Other names: c.2041G>A, p.Val681Met (NM_001346897.2, NM_001346899.2); c.2176G>A, p.Val726Met (NM_001346898.2); c.2017G>A, p.Val673Met (NM_001346900.2); c.1375G>A, p.Val459Met (NM_001346941.2); short protein forms V726M, V681M, V459M, V673M.
Identifiers: ClinVar variation 126520 (VCV000126520.3), dbSNP rs483352805, ClinGen allele CA151178.

ClinVar aggregate classification (germline): drug response (0 of 4 stars; one submission).

Conditions:
Squamous cell carcinoma of the head and neck (HNSCC). Also called: Squamous cell carcinoma, head and neck, somatic; Head and neck squamous cell carcinoma. Identifiers: Orphanet 67037, MedGen C1168401, MeSH D000077195, MONDO:0010150, OMIM 275355, HP:0020357.

Submission:

Genetics, Bhagwan Mahavir Medical Research Centre
Classification: drug response for Squamous cell carcinoma of the head and neck. Review status: no assertion criteria provided. Collection method: not provided. Allele origin: unknown.
ClinVar note: Converted during submission from drug-response to drug response.